The following is an entry in ClinVar:

ClinVar aggregate classification (germline): Likely pathogenic (0 of 4 stars; one submission).

Conditions:
Telangiectasia, hereditary hemorrhagic, type 1 (HHT1). Also called: Osler Weber Rendu syndrome type 1; ENG-Related Hereditary Hemorrhagic Telangiectasia. Identifiers: Orphanet 774, MedGen C4551861, MONDO:0008535, OMIM 187300. Disease mechanism: loss of function.

Submission:

deCODE genetics, Amgen
Classification: Likely pathogenic for Telangiectasia, hereditary hemorrhagic, type 1. Last evaluated: 2023-07-21. Review status: no assertion criteria provided. Collection method: research. Allele origin: germline. Affected: yes. Observed: 1 variant allele.
Comment: The variant NM_001114753.3:c.991+2T>A (chr9:127824798) in ENG was detected in 1 heterozygote out of 58K WGS Icelanders (MAF= 0,001%). This variant has not been reported in ClinVar previously. Based on ACMG criteria (PVS1, PM2) this variant classifies as likely pathogenic.

NM_001114753.3(ENG):c.991+2T>A

Gene: ENG (endoglin; minus strand). Cytogenetic location: 9q34.11.
Variant type: single nucleotide variant.
Coding change: c.991+2T>A on transcript NM_001114753.3 (MANE Select); the canonical splice donor site of the intron after coding-DNA position 991, T replaced by A.
Molecular consequence: splice donor variant.
Genome position (GRCh38, 1-based): chr9:127,824,798, A>T on the plus strand (T>A on the coding strand, the complement: ENG is on the minus strand). VCF-style: chr9-127824798-A-T. GRCh37 (hg19) VCF-style: chr9-130587077-A-T.
Other names: c.991+2T>A (NM_000118.4, NM_001406715.1); c.445+2T>A (NM_001278138.2).
Identifiers: ClinVar variation 2574047 (VCV002574047.1), dbSNP rs1564455554, ClinGen allele CA374981840.